The following is an entry in ClinVar:

NM_138694.4(PKHD1):c.8926A>T (p.Lys2976Ter)

Gene: PKHD1 (PKHD1 ciliary IPT domain containing fibrocystin/polyductin; minus strand). Cytogenetic location: 6p12.3.
Variant type: single nucleotide variant.
Coding change: c.8926A>T on transcript NM_138694.4 (MANE Select); coding-DNA position 8926, A replaced by T.
Protein change: p.Lys2976Ter; replaces lysine 2976 with a stop codon.
Molecular consequence: nonsense.
Genome position (GRCh38, 1-based): chr6:51,753,225, T>A on the plus strand (A>T on the coding strand, the complement: PKHD1 is on the minus strand). VCF-style: chr6-51753225-T-A. GRCh37 (hg19) VCF-style: chr6-51618023-T-A.
Other names: c.8926A>T, p.Lys2976Ter (NM_170724.3); short protein forms K2976*.
Identifiers: ClinVar variation 1725795 (VCV001725795.2), dbSNP rs1267792511, ClinGen allele CA364426632.

ClinVar aggregate classification (germline): Likely pathogenic (1 of 4 stars; one submission).

Conditions:
Polycystic kidney disease 4 (PKD4). Also called: POLYCYSTIC KIDNEY AND HEPATIC DISEASE 1; POLYCYSTIC KIDNEY DISEASE, INFANTILE, TYPE I; POLYCYSTIC KIDNEY DISEASE 4 WITH OR WITHOUT POLYCYSTIC LIVER DISEASE; PKD3; Autosomal Recessive Polycystic Kidney Disease – PKHD1. Identifiers: MedGen C4540575, MONDO:0033004, OMIM 263200.

Submission:

Myriad Genetics, Inc.
Classification: Likely pathogenic for Polycystic kidney disease 4. Last evaluated: 2022-04-01. Review status: criteria provided, single submitter. Criteria: Myriad Women's Health Autosomal Recessive and X-Linked Classification Criteria (2021). Collection method: clinical testing. Allele origin: unknown.
Comment: NM_138694.3(PKHD1):c.8926A>T(K2976*) is expected to be pathogenic in the context of autosomal recessive polycystic kidney disease, PKHD1-related. This variant is predicted to lead to an abnormal or absent protein product due to the creation of a premature termination codon in PKHD1, a gene where loss-of-function variants are known to be pathogenic. Please note: this variant was assessed in the context of healthy population screening.